The following is an entry in ClinVar:

ClinVar aggregate classification (germline): Uncertain significance (1 of 4 stars; one submission).

Submission:

CeGaT Center for Human Genetics Tuebingen
Classification: Uncertain significance. Last evaluated: 2023-11-01. Review status: criteria provided, single submitter. Criteria: CeGaT Center For Human Genetics Tuebingen Variant Classification Criteria Version 2. Collection method: clinical testing. Allele origin: germline. Affected: yes. Observed: 1 variant allele.
Comment: TTN: PM2, PP3

NM_001267550.2(TTN):c.10108G>A (p.Gly3370Arg)

Gene: TTN (titin; minus strand). Cytogenetic location: 2q31.2.
Variant type: single nucleotide variant.
Coding change: c.10108G>A on transcript NM_001267550.2 (MANE Select); coding-DNA position 10108, G replaced by A.
Protein change: p.Gly3370Arg; replaces glycine 3370 with arginine.
Molecular consequence: missense variant.
Genome position (GRCh38, 1-based): chr2:178,764,183, C>T on the plus strand (G>A on the coding strand, the complement: TTN is on the minus strand). VCF-style: chr2-178764183-C-T. GRCh37 (hg19) VCF-style: chr2-179628910-C-T.
Other names: c.10108G>A, p.Gly3370Arg (NM_001256850.1, NM_133378.4, NM_133379.5); c.9970G>A, p.Gly3324Arg (NM_003319.4, NM_133432.3, NM_133437.4); short protein forms G3324R, G3370R.
Identifiers: ClinVar variation 2672852 (VCV002672852.23), dbSNP rs2532165529, ClinGen allele CA349673703.